The following is an entry in ClinVar:

NM_015450.3(POT1):c.819G>A (p.Arg273=)

Gene: POT1 (protection of telomeres 1; minus strand). Cytogenetic location: 7q31.33.
Variant type: single nucleotide variant.
Coding change: c.819G>A on transcript NM_015450.3 (MANE Select); coding-DNA position 819, G replaced by A.
Protein change: p.Arg273=; no amino-acid change (arginine 273 retained).
Molecular consequence: synonymous variant. On other transcripts: non-coding transcript variant (3).
Genome position (GRCh38, 1-based): chr7:124,853,022, C>T on the plus strand (G>A on the coding strand, the complement: POT1 is on the minus strand). VCF-style: chr7-124853022-C-T. GRCh37 (hg19) VCF-style: chr7-124493076-C-T.
Other names: c.426G>A, p.Arg142= (NM_001042594.2).
Identifiers: ClinVar variation 2744690 (VCV002744690.3), dbSNP rs1233171904, ClinGen allele CA457467447.

ClinVar aggregate classification (germline): Uncertain significance (1 of 4 stars; one submission).

Conditions:
Tumor predisposition syndrome 3 (TPDS3). Also called: Glioma susceptibility 9; Melanoma, cutaneous malignant, susceptibility to, 10; LONG TELOMERE SYNDROME, POT1-RELATED; POT1 Tumor Predisposition. Identifiers: Orphanet 618, MedGen C4014476, MONDO:0014368, OMIM 615848.

Allele frequency attached by ClinVar (database versions not stated): TOPMed below 0.00001; gnomAD 0.00001.
gnomAD v4.1: 1 of 1,613,292 alleles (0.000062%); highest among the groups gnomAD compares: Non-Finnish European, 0.000085%; no homozygotes.

Submission:

Labcorp Genetics (formerly Invitae), Labcorp
Classification: Uncertain significance for Tumor predisposition syndrome 3. Last evaluated: 2023-07-28. Review status: criteria provided, single submitter. Criteria: Invitae Variant Classification Sherloc (09022015). Collection method: clinical testing. Allele origin: germline.
Comment: This sequence change affects codon 273 of the POT1 mRNA. It is a 'silent' change, meaning that it does not change the encoded amino acid sequence of the POT1 protein. In summary, the available evidence is currently insufficient to determine the role of this variant in disease. Therefore, it has been classified as a Variant of Uncertain Significance. Algorithms developed to predict the effect of sequence changes on RNA splicing suggest that this variant may create or strengthen a splice site. This variant has not been reported in the literature in individuals affected with POT1-related conditions. This variant is not present in population databases (gnomAD no frequency).